The following is an entry in ClinVar:

NM_000264.5(PTCH1):c.77G>T (p.Arg26Leu)

Genes: PTCH1 (patched 1; minus strand), LOC130002133 (ATAC-STARR-seq lymphoblastoid silent region 20071; plus strand). Cytogenetic location: 9q22.32.
Variant type: single nucleotide variant.
Coding change: c.77G>T on transcript NM_000264.5 (MANE Select); coding-DNA position 77, G replaced by T.
Protein change: p.Arg26Leu; replaces arginine 26 with leucine.
Molecular consequence: missense variant. On other transcripts: non-coding transcript variant (1), intron variant (3).
Genome position (GRCh38, 1-based): chr9:95,508,285, C>A on the plus strand (G>T on the coding strand, the complement: PTCH1 is on the minus strand). VCF-style: chr9-95508285-C-A. GRCh37 (hg19) VCF-style: chr9-98270567-C-A.
Other names: c.77G>T, p.Arg26Leu (NM_001354918.2); c.199-1686G>T (NM_001083603.3); c.4-1686G>T (NM_001083602.3, NM_001354919.2); short protein forms R26L.
Identifiers: ClinVar variation 654066 (VCV000654066.10), dbSNP rs1181222222, ClinGen allele CA374121468.

ClinVar aggregate classification (germline): Conflicting classifications of pathogenicity. Review status: criteria provided, conflicting classifications (1 of 4 stars). 3 submissions from 3 submitters: Uncertain significance (2); Likely benign (1). Last evaluated 2025-12-29.

Conditions:
Gorlin syndrome. Also called: Nevoid Basal Cell Carcinoma Syndrome; Basal cell nevus syndrome. Identifiers: Orphanet 377, MedGen C0004779, MONDO:0007187.
Hereditary cancer-predisposing syndrome. Also called: Neoplastic Syndromes, Hereditary; Hereditary neoplastic syndrome; Hereditary Cancer Syndrome; Tumor predisposition. Identifiers: Orphanet 140162, MedGen C0027672, MeSH D009386, MONDO:0015356.
Basal cell carcinoma, susceptibility to, 1. Also called: BCC1. Identifiers: MedGen C2751544, MONDO:0011556, OMIM 605462.

Allele frequency attached by ClinVar (database versions not stated): TOPMed below 0.00001; gnomAD exomes 0.00001.

Submissions (3):

Labcorp Genetics (formerly Invitae), Labcorp
Classification: Likely benign for Gorlin syndrome. Last evaluated: 2025-12-29. Review status: criteria provided, single submitter. Criteria: Invitae Variant Classification Sherloc (09022015). Collection method: clinical testing. Allele origin: germline.

Ambry Genetics
Classification: Uncertain significance for Hereditary cancer-predisposing syndrome. Last evaluated: 2025-05-04. Review status: criteria provided, single submitter. Criteria: Ambry Variant Classification Scheme 2023. Collection method: clinical testing. Allele origin: germline.
Comment: The p.R26L variant (also known as c.77G>T), located in coding exon 1 of the PTCH1 gene, results from a G to T substitution at nucleotide position 77. The arginine at codon 26 is replaced by leucine, an amino acid with dissimilar properties. This amino acid position is conserved. In addition, this alteration is predicted to be tolerated by in silico analysis. Since supporting evidence is limited at this time, the clinical significance of this alteration remains unclear.

Baylor Genetics
Classification: Uncertain significance for Basal cell carcinoma, susceptibility to, 1. Last evaluated: 2023-12-27. Review status: criteria provided, single submitter. Criteria: ACMG Guidelines, 2015. Collection method: clinical testing. Allele origin: unknown.